The following is an entry in ClinVar:

ClinVar aggregate classification (germline): Conflicting classifications of pathogenicity. Review status: criteria provided, conflicting classifications (1 of 4 stars). 2 submissions from 2 submitters: Likely pathogenic (1); Uncertain significance (1). Last evaluated 2026-05-28.

Conditions:
Phosphoenolpyruvate carboxykinase deficiency, cytosolic (PCKDC). Also called: PCK1 DEFICIENCY, CYTOSOLIC; PEPCK DEFICIENCY, CYTOSOLIC. Identifiers: Orphanet 2880, MedGen C5574905, MONDO:0009866, OMIM 261680.
Inborn genetic diseases. Identifiers: MedGen C0950123, MeSH D030342.

gnomAD v4.1: 8 of 1,613,860 alleles (0.0005%); highest among the groups gnomAD compares: Non-Finnish European, 0.00059%; no homozygotes.

Submissions (2):

Institute of Human Genetics, University of Leipzig Medical Center
Classification: Likely pathogenic for Phosphoenolpyruvate carboxykinase deficiency, cytosolic. Last evaluated: 2026-05-28. Review status: criteria provided, single submitter. Criteria: ACMG Guidelines, 2015. Collection method: clinical testing. Allele origin: paternal. Inheritance: Autosomal recessive inheritance. Affected: yes.
Comment: Criteria applied: PM2,PM3,PP3,PP4

Ambry Genetics
Classification: Uncertain significance for Inborn genetic diseases. Last evaluated: 2025-08-03. Review status: criteria provided, single submitter. Criteria: Ambry Variant Classification Scheme 2023. Collection method: clinical testing. Allele origin: germline.

NM_002591.4(PCK1):c.1355A>C (p.His452Pro)

Gene: PCK1 (phosphoenolpyruvate carboxykinase 1; plus strand). Cytogenetic location: 20q13.31.
Variant type: single nucleotide variant.
Coding change: c.1355A>C on transcript NM_002591.4 (MANE Select); coding-DNA position 1355, A replaced by C.
Protein change: p.His452Pro; replaces histidine 452 with proline.
Molecular consequence: missense variant.
Genome position (GRCh38, 1-based): chr20:57,565,076, A>C. VCF-style: chr20-57565076-A-C. GRCh37 (hg19) VCF-style: chr20-56140132-A-C.
Other names: short protein forms H452P.
Identifiers: ClinVar variation 4133126 (VCV004133126.2).